The following is an entry in ClinVar:

ClinVar aggregate classification (germline): Uncertain significance (1 of 4 stars; one submission).

Allele frequency attached by ClinVar (database versions not stated): TOPMed below 0.00001.

Submission:

Labcorp Genetics (formerly Invitae), Labcorp
Classification: Uncertain significance. Last evaluated: 2024-01-08. Review status: criteria provided, single submitter. Criteria: Invitae Variant Classification Sherloc (09022015). Collection method: clinical testing. Allele origin: germline.
Comment: This sequence change creates a premature translational stop signal (p.Pro1267Argfs*27) in the ZNF335 gene. While this is not anticipated to result in nonsense mediated decay, it is expected to disrupt the last 76 amino acid(s) of the ZNF335 protein. This variant is not present in population databases (gnomAD no frequency). This variant has not been reported in the literature in individuals affected with ZNF335-related conditions. ClinVar contains an entry for this variant (Variation ID: 1921973). This variant disrupts a region of the ZNF335 protein in which other variant(s) (p.Ser1297Thr) have been observed in individuals with ZNF335-related conditions (PMID: 33216650). This suggests that this is a clinically significant region of the protein, and that variants that disrupt it are likely to be disease-causing. In summary, the available evidence is currently insufficient to determine the role of this variant in disease. Therefore, it has been classified as a Variant of Uncertain Significance.

Literature cited by the submitters: PubMed 33216650.

NM_022095.4(ZNF335):c.3796_3799dup (p.Pro1267fs)

Gene: ZNF335 (zinc finger protein 335; minus strand). Cytogenetic location: 20q13.12.
Variant type: Duplication.
Coding change: c.3796_3799dup on transcript NM_022095.4 (MANE Select); coding-DNA positions 3796 to 3799, 4 bases duplicated (GCCC; older notation c.3796_3799dupGCCC).
Protein change: p.Pro1267fs; shifts the reading frame from proline 1267.
Molecular consequence: frameshift variant.
Genome position (GRCh38, 1-based): chr20:45,949,353-45,949,356, GGGC duplicated on the plus strand (GCCC on the coding strand, the reverse complement: ZNF335 is on the minus strand). VCF-style (leftmost placement, unchanged base first): chr20-45949352-G-GGGGC. GRCh37 (hg19) VCF-style: chr20-44577991-G-GGGGC.
Other names: short protein forms P1267fs.
Identifiers: ClinVar variation 1921973 (VCV001921973.5), dbSNP rs2083584618, ClinGen allele CA2366448931.